The following is an entry in ClinVar:

NM_003742.4(ABCB11):c.2815-8A>G

Genes: ABCB11 (ATP binding cassette subfamily B member 11; minus strand), LOC126806400 (CDK7 strongly-dependent group 2 enhancer GRCh37_chr2:169791870-169793069; plus strand). Cytogenetic location: 2q31.1.
Variant type: single nucleotide variant.
Coding change: c.2815-8A>G on transcript NM_003742.4 (MANE Select); 8 bases into the intron before coding-DNA position 2815, A replaced by G.
Molecular consequence: intron variant.
Genome position (GRCh38, 1-based): chr2:168,935,433, T>C on the plus strand (A>G on the coding strand, the complement: ABCB11 is on the minus strand). VCF-style: chr2-168935433-T-C. GRCh37 (hg19) VCF-style: chr2-169791943-T-C.
Other names: NM_003742.4:c.2815-8A>G.
Identifiers: ClinVar variation 3776844 (VCV003776844.3).

ClinVar aggregate classification (germline): Pathogenic/Likely pathogenic. Review status: criteria provided, multiple submitters, no conflicts (2 of 4 stars). 3 submissions from 3 submitters: Pathogenic (1); Likely pathogenic (2). Last evaluated 2026-04-14.

Conditions:
Progressive familial intrahepatic cholestasis type 2. Identifiers: Orphanet 79304, MedGen C3489789, MONDO:0011156, OMIM 601847.
Familial intrahepatic cholestasis. Identifiers: Orphanet 284385, MedGen CN296401, MONDO:0017290.

gnomAD v4.1: 2 of 1,605,688 alleles (0.00012%); highest among the groups gnomAD compares: South Asian, 0.0011%; no homozygotes.

Submissions (3):

Genomenon, Inc
Classification: Likely pathogenic for Familial intrahepatic cholestasis. Last evaluated: 2026-04-14. Review status: criteria provided, single submitter. Criteria: Genomenon Sequence Variant Interpretation Standards - Updated. Collection method: curation. Allele origin: germline. Affected: yes.
Comment: ABCB11 c.2815-8A>G is an intronic variant located in the acceptor splice region of intron 22. This variant has been observed in at least one proband with an ABCB11-related disorder (PMID:29316097). It has been observed in trans with a pathogenic or likely pathogenic variant (PMID:29316097). At least one splicing study has demonstrated that this variant results in aberrant splicing (PMID:29316097). It is absent or not present at a significant frequency in gnomAD. In conclusion, we classify ABCB11 c.2815-8A>G as a likely pathogenic variant.

Natera, Inc.
Classification: Likely pathogenic for Progressive familial intrahepatic cholestasis type 2. Last evaluated: 2026-01-15. Review status: criteria provided, single submitter. Criteria: Natera Variant Classification Schema (03/2026). Collection method: clinical testing. Allele origin: germline.
Comment: The c.2815-8A>G variant in ABCB11 is an intronic variant located outside the canonical splice sites. This variant is rare in the general population with a frequency below the threshold expected for the associated phenotype(s). This variant has been observed in one or more individuals affected with the associated recessive disease, as either homozygous or compound heterozygous with a second variant (PMID: 32808743). Functional studies show that this variant may disrupt protein function (PMID: 29316097). Computational prediction algorithms indicate this variant is likely to affect gene or protein function. Given the available evidence, this variant is classified as Likely Pathogenic.

Broad Center for Mendelian Genomics, Broad Institute of MIT and Harvard
Classification: Pathogenic for Progressive familial intrahepatic cholestasis type 2. Last evaluated: 2025-01-24. Review status: criteria provided, single submitter. Criteria: ACMG Guidelines, 2015. Collection method: curation. Allele origin: germline. Inheritance: Autosomal recessive inheritance.
Comment: The c.2815-8A>G variant in ABCB11 has been reported, in the compound heterozygous state, in one individual with BSEP deficiency (PMID: 29316097), and has been identified in 0.001% (1/85266) of South Asian chromosomes by the Genome Aggregation Database (gnomAD; dbSNP rs758565970). Although this variant has been seen in the general population in a heterozygous state, its frequency is low enough to be consistent with a recessive carrier frequency. RNAseq analysis performed on affected tissue shows evidence of intron retention resulting in a frameshift (PMID: 29316097). This alteration is then predicted to lead to a truncated or absent protein. Loss of function of the ABCB11 gene is an established disease mechanism in autosomal recessive BSEP deficiency. In summary, this variant meets criteria to be classified as pathogenic for autosomal recessive BSEP deficiency. ACMG/AMP Criteria applied: PM3, PVS1, PM2_supporting (Richards 2015).

Literature cited by the submitters: PubMed 29316097 (cited by Genomenon, Inc and Natera, Inc.); PubMed 32808743 (cited by Natera, Inc.).